The following is an entry in ClinVar:

NM_004446.3(EPRS1):c.2575T>A (p.Ser859Thr)

Gene: EPRS1 (glutamyl-prolyl-tRNA synthetase 1; minus strand). Cytogenetic location: 1q41.
Variant type: single nucleotide variant.
Coding change: c.2575T>A on transcript NM_004446.3 (MANE Select); coding-DNA position 2575, T replaced by A.
Protein change: p.Ser859Thr; replaces serine 859 with threonine.
Molecular consequence: missense variant.
Genome position (GRCh38, 1-based): chr1:219,988,790, A>T on the plus strand (T>A on the coding strand, the complement: EPRS1 is on the minus strand). VCF-style: chr1-219988790-A-T. GRCh37 (hg19) VCF-style: chr1-220162132-A-T.
Other names: short protein forms S859T.
Identifiers: ClinVar variation 728847 (VCV000728847.12), dbSNP rs141685068, ClinGen allele CA1399935.

ClinVar aggregate classification (germline): Likely benign. Review status: criteria provided, multiple submitters, no conflicts (2 of 4 stars). 3 submissions from 3 submitters: Likely benign (2). 1 of the submissions does not count toward it. Last evaluated 2025-06-12.

Conditions:
EPRS1-related disorder. Also called: EPRS1-related condition.
Inborn genetic diseases. Identifiers: MedGen C0950123, MeSH D030342.

Allele frequency attached by ClinVar (database versions not stated): gnomAD exomes 0.00010 and 0.00025; ExAC 0.00031; 1000 Genomes Project 30x 0.00047; 1000 Genomes Project 0.00060; ESP Exome Variant Server 0.00062; gnomAD 0.00090 and 0.00099; TOPMed 0.00097.
gnomAD v4.1: 305 of 1,610,386 alleles (0.019%); highest among the groups gnomAD compares: African/African-American, 0.34%; 1 homozygote.

Submissions (3):

Labcorp Genetics (formerly Invitae), Labcorp
Classification: Likely benign. Last evaluated: 2025-06-12. Review status: criteria provided, single submitter. Criteria: Invitae Variant Classification Sherloc (09022015). Collection method: clinical testing. Allele origin: germline.

Ambry Genetics
Classification: Likely benign for Inborn genetic diseases. Last evaluated: 2024-08-29. Review status: criteria provided, single submitter. Criteria: Ambry Variant Classification Scheme 2023. Collection method: clinical testing. Allele origin: germline.

PreventionGenetics, part of Exact Sciences
Classification: Likely benign for EPRS1-related condition. Last evaluated: 2022-04-11. Review status: no assertion criteria provided. Collection method: clinical testing. Allele origin: germline. Not counted in ClinVar's aggregate classification.
Comment: This variant is classified as likely benign based on ACMG/AMP sequence variant interpretation guidelines (Richards et al. 2015 PMID: 25741868, with internal and published modifications).